The following is an entry in ClinVar:

ClinVar aggregate classification (germline): Uncertain significance (1 of 4 stars; one submission).

Conditions:
Tyrosinemia type II (TYRSN2). Also called: TAT DEFICIENCY; TYROSINE AMINOTRANSFERASE DEFICIENCY; TYROSINE TRANSAMINASE DEFICIENCY; KERATOSIS PALMOPLANTARIS WITH CORNEAL DYSTROPHY; OREGON TYPE TYROSINEMIA. Identifiers: Orphanet 28378, MedGen C0268487, MONDO:0010160, OMIM 276600.

Allele frequency attached by ClinVar (database versions not stated): gnomAD exomes 0.00002; ExAC 0.00003; gnomAD 0.00003; TOPMed 0.00003.
gnomAD v4.1: 32 of 1,613,742 alleles (0.002%); highest among the groups gnomAD compares: Middle Eastern, 0.016%; no homozygotes.

Submission:

Labcorp Genetics (formerly Invitae), Labcorp
Classification: Uncertain significance for Tyrosinemia type II. Last evaluated: 2022-05-25. Review status: criteria provided, single submitter. Criteria: Invitae Variant Classification Sherloc (09022015). Collection method: clinical testing. Allele origin: germline.
Comment: This sequence change replaces arginine, which is basic and polar, with histidine, which is basic and polar, at codon 367 of the TAT protein (p.Arg367His). This variant is present in population databases (rs774749746, gnomAD 0.002%). This variant has not been reported in the literature in individuals affected with TAT-related conditions. Algorithms developed to predict the effect of missense changes on protein structure and function output the following: SIFT: "Tolerated"; PolyPhen-2: "Benign"; Align-GVGD: "Class C0". The histidine amino acid residue is found in multiple mammalian species, which suggests that this missense change does not adversely affect protein function. In summary, the available evidence is currently insufficient to determine the role of this variant in disease. Therefore, it has been classified as a Variant of Uncertain Significance.

NM_000353.3(TAT):c.1100G>A (p.Arg367His)

Genes: TAT (tyrosine aminotransferase; minus strand), TAT-AS1 (TAT antisense RNA 1; plus strand). Cytogenetic location: 16q22.2.
Variant type: single nucleotide variant.
Coding change: c.1100G>A on transcript NM_000353.3 (MANE Select); coding-DNA position 1100, G replaced by A.
Protein change: p.Arg367His; replaces arginine 367 with histidine.
Molecular consequence: missense variant.
Genome position (GRCh38, 1-based): chr16:71,569,879, C>T on the plus strand (G>A on the coding strand, the complement: TAT is on the minus strand). VCF-style: chr16-71569879-C-T. GRCh37 (hg19) VCF-style: chr16-71603782-C-T.
Other names: short protein forms R367H.
Identifiers: ClinVar variation 2171483 (VCV002171483.1), dbSNP rs774749746, ClinGen allele CA8153799.